The following is an entry in ClinVar:

ClinVar aggregate classification (germline): Likely benign. Review status: criteria provided, multiple submitters, no conflicts (2 of 4 stars). 2 submissions from 2 submitters: Likely benign (2). Last evaluated 2026-05-01.

Conditions:
Creatine transporter deficiency (CCDS1). Also called: Mental retardation , X-linked with seizures, short stature and midface hypoplasia; Mental retardation , X-linked, with creatine transport deficiency; X-linked creatine transporter deficiency; X-linked creatine deficiency syndrome; SLC6A8-Related Creatine Transporter Deficiency; CREATINE TRANSPORTER DEFECT. Identifiers: Orphanet 52503, MedGen C1845862, MONDO:0010305, OMIM 300352.

Submissions (2):

CeGaT Center for Human Genetics Tuebingen
Classification: Likely benign. Last evaluated: 2026-05-01. Review status: criteria provided, single submitter. Criteria: CeGaT Center For Human Genetics Tuebingen Variant Classification Criteria Version 2. Collection method: clinical testing. Allele origin: germline. Affected: yes. Observed: 1 variant allele.
Comment: SLC6A8: PM2:Supporting, BP4, BP7

Labcorp Genetics (formerly Invitae), Labcorp
Classification: Likely benign for Creatine transporter deficiency. Last evaluated: 2018-11-21. Review status: criteria provided, single submitter. Criteria: Invitae Variant Classification Sherloc (09022015). Collection method: clinical testing. Allele origin: germline.

NM_005629.4(SLC6A8):c.147G>T (p.Val49=)

Gene: SLC6A8 (solute carrier family 6 member 8; plus strand). Cytogenetic location: Xq28.
Variant type: single nucleotide variant.
Coding change: c.147G>T on transcript NM_005629.4 (MANE Select); coding-DNA position 147, G replaced by T.
Protein change: p.Val49=; no amino-acid change (valine 49 retained).
Molecular consequence: synonymous variant.
Genome position (GRCh38, 1-based): chrX:153,688,721, G>T. VCF-style: chrX-153688721-G-T. GRCh37 (hg19) VCF-style: chrX-152954176-G-T.
Other names: c.147G>T, p.Val49= (NM_001142805.2).
Identifiers: ClinVar variation 778784 (VCV000778784.10), dbSNP rs1275670151, ClinGen allele CA519344576.